The following is an entry in ClinVar:

NM_000531.6(OTC):c.852C>T (p.Tyr284=)

Gene: OTC (ornithine transcarbamylase; plus strand). Cytogenetic location: Xp11.4.
Variant type: single nucleotide variant.
Coding change: c.852C>T on transcript NM_000531.6 (MANE Select); coding-DNA position 852, C replaced by T.
Protein change: p.Tyr284=; no amino-acid change (tyrosine 284 retained).
Molecular consequence: synonymous variant.
Genome position (GRCh38, 1-based): chrX:38,409,010, C>T. VCF-style: chrX-38409010-C-T. GRCh37 (hg19) VCF-style: chrX-38268263-C-T.
Identifiers: ClinVar variation 1570175 (VCV001570175.9), dbSNP rs2147345272, ClinGen allele CA515642373.

ClinVar aggregate classification (germline): Likely benign. Review status: criteria provided, multiple submitters, no conflicts (2 of 4 stars). 2 submissions from 2 submitters: Likely benign (2). Last evaluated 2024-03-02.

Conditions:
Ornithine carbamoyltransferase deficiency (OTCD). Also called: Ornithine Carbamoyltransferase Deficiency Disease; ORNITHINE TRANSCARBAMYLASE DEFICIENCY; ORNITHINE TRANSCARBAMYLASE DEFICIENCY, HYPERAMMONEMIA DUE TO; OTC DEFICIENCY. Identifiers: Orphanet 664, MedGen C0268542, MONDO:0010703, OMIM 311250.

Allele frequency attached by ClinVar (database versions not stated): gnomAD exomes below 0.00001.
gnomAD v4.1: 1 of 1,211,221 alleles (0.000083%); highest among the groups gnomAD compares: East Asian, 0.003%; no homozygotes.

Submissions (2):

Labcorp Genetics (formerly Invitae), Labcorp
Classification: Likely benign for Ornithine carbamoyltransferase deficiency. Last evaluated: 2024-03-02. Review status: criteria provided, single submitter. Criteria: Invitae Variant Classification Sherloc (09022015). Collection method: clinical testing. Allele origin: germline.

All of Us Research Program, National Institutes of Health
Classification: Likely benign for Ornithine carbamoyltransferase deficiency. Last evaluated: 2023-11-02. Review status: criteria provided, single submitter. Criteria: ACMG Guidelines, 2015. Collection method: clinical testing. Allele origin: germline. Inheritance: X-linked inheritance. Observed: 1 variant allele, 1 heterozygote.
Comment: This study involves interpretation of variants in research participants for the purpose of population health screening. Participant phenotype was not available at the time of variant classification. Additional details can be found in publication PMID: 35346344, PMCID: PMC8962531